The following is an entry in ClinVar:

ClinVar aggregate classification (germline): Uncertain significance (0 of 4 stars; one submission).

Conditions:
CREBBP-related disorder. Also called: CREBBP-related condition; CREBBP-related disorders.

gnomAD v4.1: 1 of 1,613,886 alleles (0.000062%); highest among the groups gnomAD compares: Non-Finnish European, 0.000085%; no homozygotes.

Submission:

PreventionGenetics, part of Exact Sciences
Classification: Uncertain significance for CREBBP-related condition. Last evaluated: 2024-01-17. Review status: no assertion criteria provided. Collection method: clinical testing. Allele origin: germline.
Comment: The CREBBP c.1028G>C variant is predicted to result in the amino acid substitution p.Gly343Ala. To our knowledge, this variant has not been reported in the literature or in a large population database, indicating this variant is rare. At this time, the clinical significance of this variant is uncertain due to the absence of conclusive functional and genetic evidence.

NM_004380.3(CREBBP):c.1028G>C (p.Gly343Ala)

Gene: CREBBP (CREB binding lysine acetyltransferase; minus strand). Cytogenetic location: 16p13.3.
Variant type: single nucleotide variant.
Coding change: c.1028G>C on transcript NM_004380.3 (MANE Select); coding-DNA position 1028, G replaced by C.
Protein change: p.Gly343Ala; replaces glycine 343 with alanine.
Molecular consequence: missense variant.
Genome position (GRCh38, 1-based): chr16:3,793,574, C>G on the plus strand (G>C on the coding strand, the complement: CREBBP is on the minus strand). VCF-style: chr16-3793574-C-G. GRCh37 (hg19) VCF-style: chr16-3843575-C-G.
Other names: c.1028G>C, p.Gly343Ala (NM_001079846.1); short protein forms G343A.
Identifiers: ClinVar variation 3349069 (VCV003349069.1).
Genomic context (GRCh38, chr16:3,793,574, plus strand): 5'-TGAAGCAGTAGAACCAGCTGCTGCTGTATCAGTTTGCGTTTTTCAGGATCTGCAGTGGGG[C>G]CTGTTGCAATTGCTTGTGTGGGTACAATTCCCACTGATGTTTGCATCTGAGACTAAAATA-3'
Protein context (NP_004371.2, residues 333-353): GIVPTQAIAT[Gly343Ala]PTADPEKRKL